The following is an entry in ClinVar:

ClinVar aggregate classification (germline): Pathogenic (1 of 4 stars; one submission).

Conditions:
Intellectual disability, autosomal recessive 53 (NEDHSCA). Also called: GLYCOSYLPHOSPHATIDYLINOSITOL BIOSYNTHESIS DEFECT 13; Mental retardation, autosomal recessive 53; NEURODEVELOPMENTAL DISORDER WITH OR WITHOUT HYPOTONIA, SEIZURES, AND CEREBELLAR ATROPHY. Identifiers: Orphanet 488635, MedGen C4310794, MONDO:0014832, OMIM 616917.

Submission:

Labcorp Genetics (formerly Invitae), Labcorp
Classification: Pathogenic for Intellectual disability, autosomal recessive 53. Last evaluated: 2023-01-31. Review status: criteria provided, single submitter. Criteria: Invitae Variant Classification Sherloc (09022015). Collection method: clinical testing. Allele origin: germline.
Comment: This variant is not present in population databases (gnomAD no frequency). For these reasons, this variant has been classified as Pathogenic. This variant has not been reported in the literature in individuals affected with PIGG-related conditions. This sequence change creates a premature translational stop signal (p.Leu609Thrfs*4) in the PIGG gene. It is expected to result in an absent or disrupted protein product. Loss-of-function variants in PIGG are known to be pathogenic (PMID: 26996948, 28581210, 28771251).

Literature cited by the submitters: PubMed 26996948; PubMed 28581210; PubMed 28771251.

NM_001127178.3(PIGG):c.1824_1834del (p.Leu609fs)

Gene: PIGG (phosphatidylinositol glycan anchor biosynthesis class G (EMM blood group); plus strand). Cytogenetic location: 4p16.3.
Variant type: Deletion.
Coding change: c.1824_1834del on transcript NM_001127178.3 (MANE Select); coding-DNA positions 1824 to 1834, 11 bases deleted (CCTCTGTGTGG).
Protein change: p.Leu609fs; shifts the reading frame from leucine 609.
Molecular consequence: frameshift variant. On other transcripts: non-coding transcript variant (6).
Genome position (GRCh38, 1-based): chr4:523,668-523,678, CCTCTGTGTGG deleted; deleting any 11 consecutive bases within chr4:523,662-523,678 gives the same sequence; the c. name uses the placement nearest the transcript's 3' end. VCF-style (leftmost placement, unchanged base first): chr4-523661-CGTGTGGCCTCT-C. GRCh37 (hg19) VCF-style: chr4-517450-CGTGTGGCCTCT-C.
Other names: c.1557_1567del, p.Leu520fs (NM_001289051.2, NM_001345986.2); c.1425_1435del, p.Leu476fs (NM_001289052.2); c.1533_1543del, p.Leu512fs (NM_001345987.2); c.795_805del, p.Leu266fs (NM_001345988.2); c.291_301del, p.Leu98fs (NM_001345990.2, NM_001345991.2); c.726_736del, p.Leu243fs (NM_001345994.2); c.1800_1810del, p.Leu601fs (NM_017733.5); short protein forms L601fs, L476fs, L243fs, L266fs, L512fs, L98fs, L520fs, L609fs.
Identifiers: ClinVar variation 2784633 (VCV002784633.3), dbSNP rs2474933072, ClinGen allele CA2586973492.